The following is an entry in ClinVar:

NM_130839.5(UBE3A):c.1874_1884del (p.Ile625fs)

Genes: SNHG14 (small nucleolar RNA host gene 14; plus strand), UBE3A (ubiquitin protein ligase E3A; minus strand). Cytogenetic location: 15q11.2.
Variant type: Deletion.
Coding change: c.1874_1884del on transcript NM_130839.5 (MANE Select); coding-DNA positions 1874 to 1884, 11 bases deleted (TACTGGATGTA).
Protein change: p.Ile625fs; shifts the reading frame from isoleucine 625.
Molecular consequence: frameshift variant. On other transcripts: non-coding transcript variant (1).
Genome position (GRCh38, 1-based): chr15:25,356,766-25,356,776, TACATCCAGTA deleted on the plus strand (TACTGGATGTA on the coding strand, the reverse complement: UBE3A is on the minus strand); deleting any 11 consecutive bases within chr15:25,356,766-25,356,780 gives the same sequence; the c. name uses the placement nearest the transcript's 3' end. VCF-style (leftmost placement, unchanged base first): chr15-25356765-GTACATCCAGTA-G. GRCh37 (hg19) VCF-style: chr15-25601912-GTACATCCAGTA-G.
Other names: c.1883_1893del, p.Ile628fs (NM_000462.5); c.1874_1884del, p.Ile625fs (NM_001354505.1, NM_001354538.2, NM_001354545.2); c.1814_1824del, p.Ile605fs (NM_001354506.2, NM_001354507.2, NM_001354508.2 and 17 more transcripts); c.1697_1707del, p.Ile566fs (NM_001354546.2); c.623_633del, p.Ile208fs (NM_001354550.2); c.563_573del, p.Ile188fs (NM_001354551.2); short protein forms I625fs, I566fs, I605fs, I188fs, I208fs, I628fs.
Identifiers: ClinVar variation 155960 (VCV000155960.1), dbSNP rs587781209, ClinGen allele CA333329.
Genomic context (GRCh38, chr15:25,356,765, plus strand): 5'-CCAAGTCACGAAAAGTTCCTTTTTTCCCCATTAGCTTCCTGTAGACAACCATGGGAAAAT[GTACATCCAGTA>G]TACAGTTATTGTAAATAGCCAGACCCAGTACTATGCCAATCAGAGTAAACTGACCCTCAG-3'

ClinVar aggregate classification (germline): Pathogenic (0 of 4 stars; one submission).

Conditions:
Angelman syndrome (AS). Also called: HAPPY PUPPET SYNDROME. Identifiers: Orphanet 72, MedGen C0162635, MONDO:0007113, OMIM 105830. Disease mechanism: loss of function. Inheritance: AS is caused by disruption of maternally imprinted UBE3A located within the 15q11.2-q13 Angelman syndrome/Prader-Willi syndrome (AS/PWS) region., imprinting disorder.

Submission:

Baylor Genetics
Classification: Pathogenic for Angelman Syndrome. Last evaluated: 2014-02-14. Review status: no assertion criteria provided. Collection method: clinical testing. Allele origin: germline. Affected: yes. Observed: 1 variant allele. Study: UBE3A Mutation Study.
Comment: Data collected from clinical UBE3A sequence analysis results

Literature cited by the submitters: PubMed 25212744.